The following is an entry in ClinVar:

ClinVar aggregate classification (germline): Uncertain significance. Review status: criteria provided, multiple submitters, no conflicts (2 of 4 stars). 4 submissions from 4 submitters: Uncertain significance (4). Last evaluated 2025-06-19.

Conditions:
Inborn genetic diseases. Identifiers: MedGen C0950123, MeSH D030342.
2-aminoadipic 2-oxoadipic aciduria (AAKAD). Also called: ALPHA-AMINOADIPIC AND ALPHA-KETOADIPIC ACIDURIA; Aminoadipic aciduria. Identifiers: Orphanet 79154, MedGen C1859817, MONDO:0008774, OMIM 204750.

Allele frequency attached by ClinVar (database versions not stated): ExAC 0.00002; gnomAD exomes 0.00003; gnomAD 0.00006; TOPMed 0.00006.
gnomAD v4.1: 60 of 1,581,580 alleles (0.0038%); highest among the groups gnomAD compares: Non-Finnish European, 0.0046%; no homozygotes.

Submissions (4):

Labcorp Genetics (formerly Invitae), Labcorp
Classification: Uncertain significance for 2-aminoadipic 2-oxoadipic aciduria. Last evaluated: 2025-06-19. Review status: criteria provided, single submitter. Criteria: Invitae Variant Classification Sherloc (09022015). Collection method: clinical testing. Allele origin: germline.
Comment: This sequence change replaces proline, which is neutral and non-polar, with leucine, which is neutral and non-polar, at codon 35 of the DHTKD1 protein (p.Pro35Leu). This variant is present in population databases (rs753355529, gnomAD 0.009%). This variant has not been reported in the literature in individuals affected with DHTKD1-related conditions. ClinVar contains an entry for this variant (Variation ID: 587471). An algorithm developed to predict the effect of missense changes on protein structure and function (PolyPhen-2) suggests that this variant is likely to be disruptive. In summary, the available evidence is currently insufficient to determine the role of this variant in disease. Therefore, it has been classified as a Variant of Uncertain Significance.

CeGaT Center for Human Genetics Tuebingen
Classification: Uncertain significance. Last evaluated: 2024-02-01. Review status: criteria provided, single submitter. Criteria: CeGaT Center For Human Genetics Tuebingen Variant Classification Criteria Version 2. Collection method: clinical testing. Allele origin: germline. Affected: yes. Observed: 1 variant allele.

Ambry Genetics
Classification: Uncertain significance for Inborn genetic diseases. Last evaluated: 2022-12-01. Review status: criteria provided, single submitter. Criteria: Ambry Variant Classification Scheme 2023. Collection method: clinical testing. Allele origin: germline.

Genomic Research Center, Shahid Beheshti University of Medical Sciences
Classification: Uncertain significance for 2-aminoadipic 2-oxoadipic aciduria. Last evaluated: 2018-08-07. Review status: criteria provided, single submitter. Criteria: ACMG Guidelines, 2015. Collection method: clinical testing. Allele origin: inherited. Affected: no. Observed: 1 variant allele.

NM_018706.7(DHTKD1):c.104C>T (p.Pro35Leu)

Genes: DHTKD1 (dehydrogenase E1 and transketolase domain containing 1; plus strand), LOC130003343 (ATAC-STARR-seq lymphoblastoid silent region 2137; plus strand). Cytogenetic location: 10p14.
Variant type: single nucleotide variant.
Coding change: c.104C>T on transcript NM_018706.7 (MANE Select); coding-DNA position 104, C replaced by T.
Protein change: p.Pro35Leu; replaces proline 35 with leucine.
Molecular consequence: missense variant.
Genome position (GRCh38, 1-based): chr10:12,069,137, C>T. VCF-style: chr10-12069137-C-T. GRCh37 (hg19) VCF-style: chr10-12111136-C-T.
Other names: c.104C>T (NM_018706.5); short protein forms P35L.
Identifiers: ClinVar variation 587471 (VCV000587471.35), dbSNP rs753355529, ClinGen allele CA5407435.